The following is an entry in ClinVar:

NM_000070.3(CAPN3):c.107G>C (p.Gly36Ala)

Gene: CAPN3 (calpain 3; plus strand). Cytogenetic location: 15q15.1.
Variant type: single nucleotide variant.
Coding change: c.107G>C on transcript NM_000070.3 (MANE Select); coding-DNA position 107, G replaced by C.
Protein change: p.Gly36Ala; replaces glycine 36 with alanine.
Molecular consequence: missense variant.
Genome position (GRCh38, 1-based): chr15:42,359,912, G>C. VCF-style: chr15-42359912-G-C. GRCh37 (hg19) VCF-style: chr15-42652110-G-C.
Other names: c.107G>C, p.Gly36Ala (NM_024344.2, NM_173087.2); short protein forms G36A.
Identifiers: ClinVar variation 3011601 (VCV003011601.3), dbSNP rs768925755, ClinGen allele CA7510856.

ClinVar aggregate classification (germline): Uncertain significance (1 of 4 stars; one submission).

Conditions:
Autosomal recessive limb-girdle muscular dystrophy type 2A (LGMDR1). Also called: LEYDEN-MOEBIUS MUSCULAR DYSTROPHY; Calpainopathy; MUSCULAR DYSTROPHY, PELVOFEMORAL; Limb-girdle muscular dystrophy, type 2A; Muscular dystrophy, limb-girdle, type 2A, Amish. Identifiers: Orphanet 267, MedGen C1869123, MONDO:0009675, OMIM 253600. Disease mechanism: loss of function.

Allele frequency attached by ClinVar (database versions not stated): ExAC 0.00001.
gnomAD v4.1: 1 of 1,614,240 alleles (0.000062%); no homozygotes.

Submission:

Labcorp Genetics (formerly Invitae), Labcorp
Classification: Uncertain significance for Autosomal recessive limb-girdle muscular dystrophy type 2A. Last evaluated: 2023-08-11. Review status: criteria provided, single submitter. Criteria: Invitae Variant Classification Sherloc (09022015). Collection method: clinical testing. Allele origin: germline.
Comment: In summary, the available evidence is currently insufficient to determine the role of this variant in disease. Therefore, it has been classified as a Variant of Uncertain Significance. Advanced modeling of protein sequence and biophysical properties (such as structural, functional, and spatial information, amino acid conservation, physicochemical variation, residue mobility, and thermodynamic stability) has been performed at Invitae for this missense variant, however the output from this modeling did not meet the statistical confidence thresholds required to predict the impact of this variant on CAPN3 protein function. This variant has not been reported in the literature in individuals affected with CAPN3-related conditions. This variant is present in population databases (rs768925755, gnomAD no frequency). This sequence change replaces glycine, which is neutral and non-polar, with alanine, which is neutral and non-polar, at codon 36 of the CAPN3 protein (p.Gly36Ala).